The following is an entry in ClinVar:

ClinVar aggregate classification (germline): Likely pathogenic (1 of 4 stars; one submission).

gnomAD v4.1: 1 of 1,609,072 alleles (0.000062%); highest among the groups gnomAD compares: Non-Finnish European, 0.000085%; no homozygotes.

Submission:

Labcorp Genetics (formerly Invitae), Labcorp
Classification: Likely pathogenic. Last evaluated: 2026-01-20. Review status: criteria provided, single submitter. Criteria: Invitae Variant Classification Sherloc (09022015). Collection method: clinical testing. Allele origin: germline.
Comment: This sequence change affects an acceptor splice site in intron 15 of the VPS13A gene. It is expected to disrupt RNA splicing. Variants that disrupt the donor or acceptor splice site typically lead to a loss of protein function (PMID: 16199547), and loss-of-function variants in VPS13A are known to be pathogenic (PMID: 12404112, 21598378). This variant is not present in population databases (gnomAD no frequency). This variant has not been reported in the literature in individuals affected with VPS13A-related conditions. Algorithms developed to predict the effect of sequence changes on RNA splicing suggest that this variant may disrupt the consensus splice site. In summary, the currently available evidence indicates that the variant is pathogenic, but additional data are needed to prove that conclusively. Therefore, this variant has been classified as Likely Pathogenic.

Literature cited by the submitters: PubMed 16199547; PubMed 12404112; PubMed 21598378.

NM_033305.3(VPS13A):c.1358-2A>G

Gene: VPS13A (vacuolar protein sorting 13 homolog A; plus strand). Cytogenetic location: 9q21.2.
Variant type: single nucleotide variant.
Coding change: c.1358-2A>G on transcript NM_033305.3 (MANE Select); the canonical splice acceptor site of the intron before coding-DNA position 1358, A replaced by G.
Molecular consequence: splice acceptor variant.
Genome position (GRCh38, 1-based): chr9:77,227,389, A>G. VCF-style: chr9-77227389-A-G. GRCh37 (hg19) VCF-style: chr9-79842305-A-G.
Other names: c.1358-2A>G (NM_001018037.2, NM_015186.4, NM_001018038.3).
Identifiers: ClinVar variation 4735815 (VCV004735815.1).